The following is an entry in ClinVar:

NM_001291815.2(HMCN2):c.11772C>T (p.Gly3924=)

Gene: HMCN2 (hemicentin 2; plus strand). Cytogenetic location: 9q34.11.
Variant type: single nucleotide variant.
Coding change: c.11772C>T on transcript NM_001291815.2 (MANE Select); coding-DNA position 11772, C replaced by T.
Protein change: p.Gly3924=; no amino-acid change (glycine 3924 retained).
Molecular consequence: synonymous variant.
Genome position (GRCh38, 1-based): chr9:130,402,790, C>T. VCF-style: chr9-130402790-C-T. GRCh37 (hg19) VCF-style: chr9-133278177-C-T.
Identifiers: ClinVar variation 2659599 (VCV002659599.24), dbSNP rs748735294, ClinGen allele CA5282592.

ClinVar aggregate classification (germline): Likely benign (1 of 4 stars; one submission).

Allele frequency attached by ClinVar (database versions not stated): ExAC 0.00008; gnomAD exomes 0.00009; gnomAD 0.00011; TOPMed 0.00012.
gnomAD v4.1: 123 of 1,289,412 alleles (0.0095%); highest among the groups gnomAD compares: African/African-American, 0.014%; no homozygotes.

Submission:

CeGaT Center for Human Genetics Tuebingen
Classification: Likely benign. Last evaluated: 2022-10-01. Review status: criteria provided, single submitter. Criteria: CeGaT Center For Human Genetics Tuebingen Variant Classification Criteria Version 2. Collection method: clinical testing. Allele origin: germline. Affected: yes. Observed: 1 variant allele.
Comment: HMCN2: BP4, BP7